The following is an entry in ClinVar:

ClinVar aggregate classification (germline): Benign. Review status: criteria provided, multiple submitters, no conflicts (2 of 4 stars). 4 submissions from 4 submitters: Benign (3). 1 of the submissions does not count toward it. Last evaluated 2026-01-29.

Conditions:
DHX37-related disorder. Also called: DHX37-related condition; DHX37-Related Disorders.

Allele frequency attached by ClinVar (database versions not stated): ExAC 0.06602; 1000 Genomes Project 0.14217; gnomAD 0.14614 and 0.15596; 1000 Genomes Project 30x 0.14991; TOPMed 0.16298; ESP Exome Variant Server 0.17131.
gnomAD v4.1: 89,423 of 1,611,536 alleles (5.5%); highest among the groups gnomAD compares: African/African-American, 44%; 8,592 homozygotes.

Submissions (4):

Labcorp Genetics (formerly Invitae), Labcorp
Classification: Benign. Last evaluated: 2026-01-29. Review status: criteria provided, single submitter. Criteria: Invitae Variant Classification Sherloc (09022015). Collection method: clinical testing. Allele origin: germline.

GeneDx
Classification: Benign. Last evaluated: 2021-07-12. Review status: criteria provided, single submitter. Criteria: GeneDx Variant Classification Process June 2021. Collection method: clinical testing. Allele origin: germline. Affected: yes.

Breakthrough Genomics
Classification: Benign. Review status: criteria provided, single submitter. Criteria: ACMG Guidelines, 2015. Collection method: not provided. Allele origin: germline. Inheritance: Autosomal recessive inheritance. Affected: yes.

PreventionGenetics, part of Exact Sciences
Classification: Benign for DHX37-related condition. Last evaluated: 2019-11-18. Review status: no assertion criteria provided. Collection method: clinical testing. Allele origin: germline. Not counted in ClinVar's aggregate classification.
Comment: This variant is classified as benign based on ACMG/AMP sequence variant interpretation guidelines (Richards et al. 2015 PMID: 25741868, with internal and published modifications).

NM_032656.4(DHX37):c.2499G>T (p.Arg833=)

Gene: DHX37 (DEAH-box helicase 37; minus strand). Cytogenetic location: 12q24.31.
Variant type: single nucleotide variant.
Coding change: c.2499G>T on transcript NM_032656.4 (MANE Select); coding-DNA position 2499, G replaced by T.
Protein change: p.Arg833=; no amino-acid change (arginine 833 retained).
Molecular consequence: synonymous variant.
Genome position (GRCh38, 1-based): chr12:124,954,166, C>A on the plus strand (G>T on the coding strand, the complement: DHX37 is on the minus strand). VCF-style: chr12-124954166-C-A. GRCh37 (hg19) VCF-style: chr12-125438712-C-A.
Identifiers: ClinVar variation 1302848 (VCV001302848.9), dbSNP rs11829165, ClinGen allele CA6871612.